The following is an entry in ClinVar:

NM_000540.3(RYR1):c.13184A>C (p.Gln4395Pro)

Gene: RYR1 (ryanodine receptor 1; plus strand). Cytogenetic location: 19q13.2.
Variant type: single nucleotide variant.
Coding change: c.13184A>C on transcript NM_000540.3 (MANE Select); coding-DNA position 13184, A replaced by C.
Protein change: p.Gln4395Pro; replaces glutamine 4395 with proline.
Molecular consequence: missense variant.
Genome position (GRCh38, 1-based): chr19:38,565,518, A>C. VCF-style: chr19-38565518-A-C. GRCh37 (hg19) VCF-style: chr19-39056158-A-C.
Other names: c.13169A>C, p.Gln4390Pro (NM_001042723.2); short protein forms Q4390P, Q4395P.
Identifiers: ClinVar variation 955384 (VCV000955384.11), dbSNP rs1973368011, ClinGen allele CA405674092.

ClinVar aggregate classification (germline): Uncertain significance. Review status: criteria provided, multiple submitters, no conflicts (2 of 4 stars). 2 submissions from 2 submitters: Uncertain significance (2). Last evaluated 2023-12-21.

Conditions:
RYR1-related disorder. Also called: RYR1-related disorders; RYR1-related condition. Identifiers: MedGen CN239331.

Allele frequency attached by ClinVar (database versions not stated): gnomAD exomes below 0.00001.
gnomAD v4.1: 2 of 1,503,540 alleles (0.00013%); highest among the groups gnomAD compares: East Asian, 0.0027%; no homozygotes.

Submissions (2):

Labcorp Genetics (formerly Invitae), Labcorp
Classification: Uncertain significance for RYR1-related disorder. Last evaluated: 2023-12-21. Review status: criteria provided, single submitter. Criteria: Invitae Variant Classification Sherloc (09022015). Collection method: clinical testing. Allele origin: germline.
Comment: This sequence change replaces glutamine, which is neutral and polar, with proline, which is neutral and non-polar, at codon 4395 of the RYR1 protein (p.Gln4395Pro). This variant is not present in population databases (gnomAD no frequency). This variant has not been reported in the literature in individuals affected with RYR1-related conditions. ClinVar contains an entry for this variant (Variation ID: 955384). Advanced modeling of protein sequence and biophysical properties (such as structural, functional, and spatial information, amino acid conservation, physicochemical variation, residue mobility, and thermodynamic stability) performed at Invitae indicates that this missense variant is not expected to disrupt RYR1 protein function with a negative predictive value of 95%. In summary, the available evidence is currently insufficient to determine the role of this variant in disease. Therefore, it has been classified as a Variant of Uncertain Significance.

Revvity Omics, Revvity
Classification: Uncertain significance. Last evaluated: 2020-04-14. Review status: criteria provided, single submitter. Criteria: ACMG Guidelines, 2015. Collection method: clinical testing. Allele origin: germline.